The following is an entry in ClinVar:

ClinVar aggregate classification (germline): Likely pathogenic (1 of 4 stars; one submission).

Conditions:
Autosomal recessive limb-girdle muscular dystrophy. Identifiers: Orphanet 102015, MedGen C2931907, MONDO:0015152.

Submission:

Myriad Genetics, Inc.
Classification: Likely pathogenic for Autosomal recessive limb-girdle muscular dystrophy. Last evaluated: 2020-02-12. Review status: criteria provided, single submitter. Criteria: Myriad Autosomal Dominant, Autosomal Recessive and X-Linked Classification Criteria (2023). Collection method: clinical testing. Allele origin: unknown.
Comment: NM_003494.3(DYSF):c.1985C>G(S662*) is expected to be pathogenic in the context of dysferlinopathy. This variant is predicted to lead to an abnormal or absent protein product due to the creation of a premature termination codon in DYSF, a gene where loss-of-function variants are known to be pathogenic. Please note: this variant was assessed in the context of healthy population screening.

NM_001130987.2(DYSF):c.2039C>G (p.Ser680Ter)

Gene: DYSF (dysferlin; plus strand). Cytogenetic location: 2p13.2.
Variant type: single nucleotide variant.
Coding change: c.2039C>G on transcript NM_001130987.2 (MANE Select); coding-DNA position 2039, C replaced by G.
Protein change: p.Ser680Ter; replaces serine 680 with a stop codon.
Molecular consequence: nonsense.
Genome position (GRCh38, 1-based): chr2:71,553,861, C>G. VCF-style: chr2-71553861-C-G. GRCh37 (hg19) VCF-style: chr2-71780991-C-G.
Other names: c.2078C>G, p.Ser693Ter (NM_001130979.2); c.2036C>G, p.Ser679Ter (NM_001130980.2, NM_001130981.2); c.2081C>G, p.Ser694Ter (NM_001130982.2); c.1988C>G, p.Ser663Ter (NM_001130983.2, NM_001130455.2); c.1946C>G, p.Ser649Ter (NM_001130984.2, NM_001130986.2); c.2039C>G, p.Ser680Ter (NM_001130985.2); c.1985C>G, p.Ser662Ter (NM_003494.4, NM_001130978.2); c.1943C>G, p.Ser648Ter (NM_001130976.2, NM_001130977.2); short protein forms S648*, S649*, S662*, S663*, S679*, S680*, S693*, S694*.
Identifiers: ClinVar variation 984236 (VCV000984236.4), dbSNP rs2091144091, ClinGen allele CA347218903.